The following is an entry in ClinVar:

ClinVar aggregate classification (germline): Uncertain significance (1 of 4 stars; one submission).

Submission:

Labcorp Genetics (formerly Invitae), Labcorp
Classification: Uncertain significance. Last evaluated: 2024-01-11. Review status: criteria provided, single submitter. Criteria: Invitae Variant Classification Sherloc (09022015). Collection method: clinical testing. Allele origin: germline.
Comment: This sequence change replaces isoleucine, which is neutral and non-polar, with arginine, which is basic and polar, at codon 114 of the EGF protein (p.Ile114Arg). This variant is not present in population databases (gnomAD no frequency). This variant has not been reported in the literature in individuals affected with EGF-related conditions. An algorithm developed to predict the effect of missense changes on protein structure and function (PolyPhen-2) suggests that this variant is likely to be disruptive. In summary, the available evidence is currently insufficient to determine the role of this variant in disease. Therefore, it has been classified as a Variant of Uncertain Significance.

NM_001963.6(EGF):c.341T>G (p.Ile114Arg)

Gene: EGF (epidermal growth factor; plus strand). Cytogenetic location: 4q25.
Variant type: single nucleotide variant.
Coding change: c.341T>G on transcript NM_001963.6 (MANE Select); coding-DNA position 341, T replaced by G.
Protein change: p.Ile114Arg; replaces isoleucine 114 with arginine.
Molecular consequence: missense variant.
Genome position (GRCh38, 1-based): chr4:109,943,267, T>G. VCF-style: chr4-109943267-T-G. GRCh37 (hg19) VCF-style: chr4-110864423-T-G.
Other names: c.341T>G, p.Ile114Arg (NM_001178130.3, NM_001178131.3, NM_001357021.2); short protein forms I114R.
Identifiers: ClinVar variation 2962319 (VCV002962319.3), dbSNP rs922894532, ClinGen allele CA357874852.